The following is an entry in ClinVar:

ClinVar aggregate classification (germline): Uncertain significance (1 of 4 stars; one submission).

Conditions:
Hereditary cancer-predisposing syndrome. Also called: Tumor predisposition; Hereditary neoplastic syndrome; Hereditary Cancer Syndrome; Neoplastic Syndromes, Hereditary. Identifiers: Orphanet 140162, MedGen C0027672, MeSH D009386, MONDO:0015356.

Submission:

Ambry Genetics
Classification: Uncertain significance for Hereditary cancer-predisposing syndrome. Last evaluated: 2025-04-06. Review status: criteria provided, single submitter. Criteria: Ambry Variant Classification Scheme 2023. Collection method: clinical testing. Allele origin: germline.
Comment: The p.R42H variant (also known as c.125G>A), located in coding exon 1 of the SUFU gene, results from a G to A substitution at nucleotide position 125. The arginine at codon 42 is replaced by histidine, an amino acid with highly similar properties. This amino acid position is conserved. In addition, the in silico prediction for this alteration is inconclusive. Based on the available evidence, the clinical significance of this variant remains unclear.

NM_016169.4(SUFU):c.125G>A (p.Arg42His)

Gene: SUFU (SUFU negative regulator of hedgehog signaling; plus strand). Cytogenetic location: 10q24.32.
Variant type: single nucleotide variant.
Coding change: c.125G>A on transcript NM_016169.4 (MANE Select); coding-DNA position 125, G replaced by A.
Protein change: p.Arg42His; replaces arginine 42 with histidine.
Molecular consequence: missense variant.
Genome position (GRCh38, 1-based): chr10:102,504,277, G>A. VCF-style: chr10-102504277-G-A. GRCh37 (hg19) VCF-style: chr10-104264034-G-A.
Other names: c.125G>A, p.Arg42His (NM_001178133.2); short protein forms R42H.
Identifiers: ClinVar variation 3963846 (VCV003963846.1).